The following is an entry in ClinVar:

ClinVar aggregate classification (germline): Uncertain significance (1 of 4 stars; one submission).

gnomAD v4.1: 32 of 1,584,822 alleles (0.002%); highest among the groups gnomAD compares: Non-Finnish European, 0.0012%; no homozygotes.

Submission:

Labcorp Genetics (formerly Invitae), Labcorp
Classification: Uncertain significance. Last evaluated: 2026-01-07. Review status: criteria provided, single submitter. Criteria: Invitae Variant Classification Sherloc (09022015). Collection method: clinical testing. Allele origin: germline.
Comment: This sequence change replaces alanine, which is neutral and non-polar, with valine, which is neutral and non-polar, at codon 1218 of the DCHS1 protein (p.Ala1218Val). This variant is present in population databases (rs777119485, gnomAD 0.09%). This variant has not been reported in the literature in individuals affected with DCHS1-related conditions. ClinVar contains an entry for this variant (Variation ID: 3604113). Invitae Evidence Modeling of protein sequence and biophysical properties (such as structural, functional, and spatial information, amino acid conservation, physicochemical variation, residue mobility, and thermodynamic stability) indicates that this missense variant is not expected to disrupt DCHS1 protein function with a negative predictive value of 80%. In summary, the available evidence is currently insufficient to determine the role of this variant in disease. Therefore, it has been classified as a Variant of Uncertain Significance.

NM_003737.4(DCHS1):c.3653C>T (p.Ala1218Val)

Gene: DCHS1 (dachsous cadherin-related 1; minus strand). Cytogenetic location: 11p15.4.
Variant type: single nucleotide variant.
Coding change: c.3653C>T on transcript NM_003737.4 (MANE Select); coding-DNA position 3653, C replaced by T.
Protein change: p.Ala1218Val; replaces alanine 1218 with valine.
Molecular consequence: missense variant.
Genome position (GRCh38, 1-based): chr11:6,631,638, G>A on the plus strand (C>T on the coding strand, the complement: DCHS1 is on the minus strand). VCF-style: chr11-6631638-G-A. GRCh37 (hg19) VCF-style: chr11-6652869-G-A.
Other names: short protein forms A1218V.
Identifiers: ClinVar variation 3604113 (VCV003604113.2).
Genomic context (GRCh38, chr11:6,631,638, plus strand): 5'-TCACACTTCTCAGGACAAAGTCCTGCCACTTCACATACCTGTATAGGGAGGCCCCCACCA[G>A]CAGCTCCTGAAGCCTGCAGGAACGTGGGGCTGTTGTCGTTGAGGTCAAGCACTGCAACAT-3'
Protein context (NP_003728.1, residues 1208-1228): SPTFLQASGA[Ala1218Val]GGGLPIQVPD